The following is an entry in ClinVar:

NM_173660.5(DOK7):c.995G>A (p.Arg332His)

Gene: DOK7 (docking protein 7; plus strand). Cytogenetic location: 4p16.3.
Variant type: single nucleotide variant.
Coding change: c.995G>A on transcript NM_173660.5 (MANE Select); coding-DNA position 995, G replaced by A.
Protein change: p.Arg332His; replaces arginine 332 with histidine.
Molecular consequence: missense variant. On other transcripts: 3 prime UTR variant (1).
Genome position (GRCh38, 1-based): chr4:3,492,981, G>A. VCF-style: chr4-3492981-G-A. GRCh37 (hg19) VCF-style: chr4-3494708-G-A.
Other names: c.*216G>A (NM_001164673.2); c.65G>A, p.Arg22His (NM_001256896.2); c.995G>A, p.Arg332His (NM_001301071.2); c.563G>A, p.Arg188His (NM_001363811.2); short protein forms R188H, R22H, R332H.
Identifiers: ClinVar variation 3906565 (VCV003906565.1).
Genomic context (GRCh38, chr4:3,492,981, plus strand): 5'-TGGGTGCCTCAAGGCCACCCCCCAAGCCGCTGCGTCCGCGGCAGCTGCAGGAGGTTGGCC[G>A]CCAGAGCTCCTCGGACAGCGGCATCGCCACTGGCAGCCACTCCTCTTACTCCAGCAGCCT-3'
Protein context (NP_775931.3, residues 322-342): LRPRQLQEVG[Arg332His]QSSSDSGIAT

ClinVar aggregate classification (germline): Uncertain significance (1 of 4 stars; one submission).

Submission:

GeneDx
Classification: Uncertain significance. Last evaluated: 2024-12-16. Review status: criteria provided, single submitter. Criteria: GeneDx Variant Classification Process June 2021. Collection method: clinical testing. Allele origin: germline. Affected: yes.
Comment: In silico analysis supports that this missense variant has a deleterious effect on protein structure/function; Has not been previously published as pathogenic or benign to our knowledge